The following is an entry in ClinVar:

NM_006118.4(HAX1):c.86G>C (p.Arg29Pro)

Gene: HAX1 (HCLS1 associated protein X-1; plus strand). Cytogenetic location: 1q21.3.
Variant type: single nucleotide variant.
Coding change: c.86G>C on transcript NM_006118.4 (MANE Select); coding-DNA position 86, G replaced by C.
Protein change: p.Arg29Pro; replaces arginine 29 with proline.
Molecular consequence: missense variant. On other transcripts: intron variant (1).
Genome position (GRCh38, 1-based): chr1:154,273,368, G>C. VCF-style: chr1-154273368-G-C. GRCh37 (hg19) VCF-style: chr1-154245844-G-C.
Other names: c.54-112G>C (NM_001018837.2); short protein forms R29P.
Identifiers: ClinVar variation 4269012 (VCV004269012.1).

ClinVar aggregate classification (germline): Uncertain significance (1 of 4 stars; one submission).

Conditions:
Inborn genetic diseases. Identifiers: MedGen C0950123, MeSH D030342.

Submission:

Ambry Genetics
Classification: Uncertain significance for Inborn genetic diseases. Last evaluated: 2025-06-20. Review status: criteria provided, single submitter. Criteria: Ambry Variant Classification Scheme 2023. Collection method: clinical testing. Allele origin: germline.
Comment: The p.R29P variant (also known as c.86G>C), located in coding exon 2 of the HAX1 gene, results from a G to C substitution at nucleotide position 86. The arginine at codon 29 is replaced by proline, an amino acid with dissimilar properties. This amino acid position is conserved. In addition, the in silico prediction for this alteration is inconclusive. Based on the available evidence, the clinical significance of this variant remains unclear.